The following is an entry in ClinVar:

NM_001040167.2(LFNG):c.984G>A (p.Glu328=)

Gene: LFNG (LFNG O-fucosylpeptide 3-beta-N-acetylglucosaminyltransferase; plus strand). Cytogenetic location: 7p22.3.
Variant type: single nucleotide variant.
Coding change: c.984G>A on transcript NM_001040167.2 (MANE Select); coding-DNA position 984, G replaced by A.
Protein change: p.Glu328=; no amino-acid change (glutamic acid 328 retained).
Molecular consequence: synonymous variant.
Genome position (GRCh38, 1-based): chr7:2,526,406, G>A. VCF-style: chr7-2526406-G-A. GRCh37 (hg19) VCF-style: chr7-2566040-G-A.
Other names: c.984G>A, p.Glu328= (NM_001040168.2); c.771G>A, p.Glu257= (NM_001166355.2); c.597G>A, p.Glu199= (NM_002304.3).
Identifiers: ClinVar variation 2178047 (VCV002178047.17), dbSNP rs780270611, ClinGen allele CA4127212.

ClinVar aggregate classification (germline): Likely benign. Review status: criteria provided, multiple submitters, no conflicts (2 of 4 stars). 2 submissions from 2 submitters: Likely benign (2). Last evaluated 2025-11-25.

Conditions:
Spondylocostal dysostosis 3, autosomal recessive (SCDO3). Also called: LFNG-Related Spondylocostal Dysostosis, Autosomal Recessive. Identifiers: Orphanet 2311, MedGen C1853296, MONDO:0012349, OMIM 609813.

Allele frequency attached by ClinVar (database versions not stated): gnomAD 0.00001; TOPMed 0.00002; gnomAD exomes 0.00003; ExAC 0.00001.
gnomAD v4.1: 40 of 1,607,210 alleles (0.0025%); highest among the groups gnomAD compares: Non-Finnish European, 0.0033%; no homozygotes.

Submissions (2):

Labcorp Genetics (formerly Invitae), Labcorp
Classification: Likely benign for Spondylocostal dysostosis 3, autosomal recessive. Last evaluated: 2025-11-25. Review status: criteria provided, single submitter. Criteria: Invitae Variant Classification Sherloc (09022015). Collection method: clinical testing. Allele origin: germline.

CeGaT Center for Human Genetics Tuebingen
Classification: Likely benign. Last evaluated: 2025-02-01. Review status: criteria provided, single submitter. Criteria: CeGaT Center For Human Genetics Tuebingen Variant Classification Criteria Version 2. Collection method: clinical testing. Allele origin: germline. Affected: yes. Observed: 1 variant allele.
Comment: LFNG: BP4, BP7